The following is an entry in ClinVar:

NM_001256789.3(CACNA1F):c.5160A>G (p.Glu1720=)

Gene: CACNA1F (calcium voltage-gated channel subunit alpha1 F; minus strand). Cytogenetic location: Xp11.23.
Variant type: single nucleotide variant.
Coding change: c.5160A>G on transcript NM_001256789.3 (MANE Select); coding-DNA position 5160, A replaced by G.
Protein change: p.Glu1720=; no amino-acid change (glutamic acid 1720 retained).
Molecular consequence: synonymous variant.
Genome position (GRCh38, 1-based): chrX:49,207,076, T>C on the plus strand (A>G on the coding strand, the complement: CACNA1F is on the minus strand). VCF-style: chrX-49207076-T-C. GRCh37 (hg19) VCF-style: chrX-49063537-T-C.
Other names: c.4998A>G, p.Glu1666= (NM_001256790.3); c.5193A>G, p.Glu1731= (NM_005183.4).
Identifiers: ClinVar variation 747669 (VCV000747669.11), dbSNP rs377447461, ClinGen allele CA329136111.
Genomic context (GRCh38, chrX:49,207,076, plus strand): 5'-TTCCTCATCCTCATCTTGCTTGTTTTGCCCTTTGGTTCCCTTGGGCTGAGAATTTCCTTC[T>C]TCTGGGATGGTGAAAATGAGAGCCCCAGAGCCTCTCCTGGGGAAAGGGAGGCACGTTAGG-3'
Protein context (NP_001243718.1, residues 1710-1730): GSGALIFTIP[Glu1720=]EGNSQPKGTK

ClinVar aggregate classification (germline): Likely benign. Review status: criteria provided, multiple submitters, no conflicts (2 of 4 stars). 3 submissions from 3 submitters: Likely benign (2). 1 of the submissions does not count toward it. Last evaluated 2025-02-03.

Conditions:
CACNA1F-related disorder. Also called: CACNA1F-related condition.

Allele frequency attached by ClinVar (database versions not stated): gnomAD exomes 0.00001 and 0.00002; ESP Exome Variant Server 0.00009; TOPMed 0.00011; gnomAD 0.00017.
gnomAD v4.1: 31 of 1,197,905 alleles (0.0026%); highest among the groups gnomAD compares: African/African-American, 0.049%; no homozygotes.

Submissions (3):

Labcorp Genetics (formerly Invitae), Labcorp
Classification: Likely benign. Last evaluated: 2025-02-03. Review status: criteria provided, single submitter. Criteria: Invitae Variant Classification Sherloc (09022015). Collection method: clinical testing. Allele origin: germline.

Blueprint Genetics
Classification: Likely benign. Last evaluated: 2023-06-19. Review status: criteria provided, single submitter. Criteria: ACMG Guidelines, 2015. Collection method: clinical testing. Allele origin: germline.

PreventionGenetics, part of Exact Sciences
Classification: Likely benign for CACNA1F-related condition. Last evaluated: 2019-02-22. Review status: no assertion criteria provided. Collection method: clinical testing. Allele origin: germline. Not counted in ClinVar's aggregate classification.
Comment: This variant is classified as likely benign based on ACMG/AMP sequence variant interpretation guidelines (Richards et al. 2015 PMID: 25741868, with internal and published modifications).